The following is an entry in ClinVar:

NM_002907.4(RECQL):c.91A>T (p.Arg31Trp)

Gene: RECQL (RecQ like helicase; minus strand). Cytogenetic location: 12p12.1.
Variant type: single nucleotide variant.
Coding change: c.91A>T on transcript NM_002907.4 (MANE Select); coding-DNA position 91, A replaced by T.
Protein change: p.Arg31Trp; replaces arginine 31 with tryptophan.
Molecular consequence: missense variant.
Genome position (GRCh38, 1-based): chr12:21,491,642, T>A on the plus strand (A>T on the coding strand, the complement: RECQL is on the minus strand). VCF-style: chr12-21491642-T-A. GRCh37 (hg19) VCF-style: chr12-21644576-T-A.
Other names: c.91A>T, p.Arg31Trp (NM_032941.3); short protein forms R31W.
Identifiers: ClinVar variation 4863128 (VCV004863128.1).

ClinVar aggregate classification (germline): Uncertain significance (1 of 4 stars; one submission).

Submission:

Ambry Genetics
Classification: Uncertain significance. Last evaluated: 2026-05-14. Review status: criteria provided, single submitter. Criteria: Ambry Variant Classification Scheme 2023. Collection method: clinical testing. Allele origin: germline.
Comment: The p.R31W variant (also known as c.91A>T), located in coding exon 2 of the RECQL gene, results from an A to T substitution at nucleotide position 91. The arginine at codon 31 is replaced by tryptophan, an amino acid with dissimilar properties. This amino acid position is conserved. In addition, the in silico prediction for this alteration is inconclusive. Based on the available evidence, the clinical significance of this variant remains unclear.